The following is an entry in ClinVar:

ClinVar aggregate classification (germline): Pathogenic/Likely pathogenic. Review status: criteria provided, multiple submitters, no conflicts (2 of 4 stars). 2 submissions from 2 submitters: Pathogenic (1); Likely pathogenic (1). Last evaluated 2023-07-31.

Conditions:
Hereditary spastic paraplegia 4. Also called: Spastic paraplegia 4, autosomal dominant; Spastic Paraplegia 4; Familial spastic paraplegia autosomal dominant 2. Identifiers: Orphanet 100985, MedGen C1866855, MONDO:0008438, OMIM 182601.
SPAST-related disorder. Also called: SPAST-related condition.

Submissions (2):

Labcorp Genetics (formerly Invitae), Labcorp
Classification: Pathogenic for Hereditary spastic paraplegia 4. Last evaluated: 2023-07-31. Review status: criteria provided, single submitter. Criteria: Invitae Variant Classification Sherloc (09022015). Collection method: clinical testing. Allele origin: germline.
Comment: For these reasons, this variant has been classified as Pathogenic. This variant disrupts the p.Asp555 amino acid residue in SPAST. Other variant(s) that disrupt this residue have been observed in individuals with SPAST-related conditions (PMID: 10699187, 20559269), which suggests that this may be a clinically significant amino acid residue. Advanced modeling of protein sequence and biophysical properties (such as structural, functional, and spatial information, amino acid conservation, physicochemical variation, residue mobility, and thermodynamic stability) performed at Invitae indicates that this missense variant is expected to disrupt SPAST protein function. This missense change has been observed in individuals with hereditary spastic paraplegia (PMID: 18701882, 25421405, 32655478). This variant is not present in population databases (gnomAD no frequency). This sequence change replaces aspartic acid, which is acidic and polar, with glycine, which is neutral and non-polar, at codon 555 of the SPAST protein (p.Asp555Gly).

Blueprint Genetics
Classification: Likely pathogenic for SPAST-related disorders. Last evaluated: 2021-05-11. Review status: criteria provided, single submitter. Criteria: ACMG Guidelines, 2015. Collection method: clinical testing. Allele origin: germline. Affected: yes. Observed: 1 variant allele.

Literature cited by the submitters: PubMed 10699187 (cited by Labcorp Genetics (formerly Invitae), Labcorp); PubMed 20559269 (cited by Labcorp Genetics (formerly Invitae), Labcorp); PubMed 18701882 (cited by Labcorp Genetics (formerly Invitae), Labcorp); PubMed 25421405 (cited by Labcorp Genetics (formerly Invitae), Labcorp); PubMed 32655478 (cited by Labcorp Genetics (formerly Invitae), Labcorp).

NM_014946.4(SPAST):c.1664A>G (p.Asp555Gly)

Gene: SPAST (spastin; plus strand). Cytogenetic location: 2p22.3.
Variant type: single nucleotide variant.
Coding change: c.1664A>G on transcript NM_014946.4 (MANE Select); coding-DNA position 1664, A replaced by G.
Protein change: p.Asp555Gly; replaces aspartic acid 555 with glycine.
Molecular consequence: missense variant. On other transcripts: intron variant (1).
Genome position (GRCh38, 1-based): chr2:32,144,984, A>G. VCF-style: chr2-32144984-A-G. GRCh37 (hg19) VCF-style: chr2-32370053-A-G.
Other names: c.1661A>G, p.Asp554Gly (NM_001363823.2); c.1565A>G, p.Asp522Gly (NM_001363875.2); c.1568A>G, p.Asp523Gly (NM_199436.2); c.1520+1569A>G (NM_001377959.1); short protein forms D523G, D554G, D522G, D555G.
Identifiers: ClinVar variation 2734157 (VCV002734157.4), dbSNP rs1553319548, ClinGen allele CA346504254.